The following is an entry in ClinVar:

NM_001035.3(RYR2):c.13933T>C (p.Trp4645Arg)

Gene: RYR2 (ryanodine receptor 2; plus strand). Cytogenetic location: 1q43.
Variant type: single nucleotide variant.
Coding change: c.13933T>C on transcript NM_001035.3 (MANE Select); coding-DNA position 13933, T replaced by C.
Protein change: p.Trp4645Arg; replaces tryptophan 4645 with arginine.
Molecular consequence: missense variant.
Genome position (GRCh38, 1-based): chr1:237,795,308, T>C. VCF-style: chr1-237795308-T-C. GRCh37 (hg19) VCF-style: chr1-237958608-T-C.
Other names: short protein forms W4645R.
Identifiers: ClinVar variation 3633843 (VCV003633843.2).

ClinVar aggregate classification (germline): Uncertain significance (1 of 4 stars; one submission).

Conditions:
Catecholaminergic polymorphic ventricular tachycardia 1. Also called: VENTRICULAR TACHYCARDIA, CATECHOLAMINERGIC POLYMORPHIC, 1, WITH OR WITHOUT ATRIAL DYSFUNCTION AND/OR DILATED CARDIOMYOPATHY; RYR2-Related Catecholaminergic Polymorphic Ventricular Tachycardia; VENTRICULAR TACHYCARDIA, STRESS-INDUCED POLYMORPHIC 1. Identifiers: Orphanet 3286, MedGen C1631597, MONDO:0011484, OMIM 604772.

Submission:

Labcorp Genetics (formerly Invitae), Labcorp
Classification: Uncertain significance for Catecholaminergic polymorphic ventricular tachycardia 1. Last evaluated: 2024-09-29. Review status: criteria provided, single submitter. Criteria: Invitae Variant Classification Sherloc (09022015). Collection method: clinical testing. Allele origin: germline.
Comment: This sequence change replaces tryptophan, which is neutral and slightly polar, with arginine, which is basic and polar, at codon 4645 of the RYR2 protein (p.Trp4645Arg). This variant is not present in population databases (gnomAD no frequency). This missense change has been observed in individual(s) with arrhythmia and/or catecholaminergic polymorphic ventricular tachycardia (PMID: 19398417, 22677073, 27114410). Invitae Evidence Modeling of protein sequence and biophysical properties (such as structural, functional, and spatial information, amino acid conservation, physicochemical variation, residue mobility, and thermodynamic stability) indicates that this missense variant is expected to disrupt RYR2 protein function with a positive predictive value of 95%. In summary, the available evidence is currently insufficient to determine the role of this variant in disease. Therefore, it has been classified as a Variant of Uncertain Significance.

Literature cited by the submitters: PubMed 19398417; PubMed 22677073; PubMed 27114410.